The following is an entry in ClinVar:

ClinVar aggregate classification (germline): Conflicting classifications of pathogenicity. Review status: criteria provided, conflicting classifications (1 of 4 stars). 3 submissions from 2 submitters: Uncertain significance (2); Likely benign (1). Last evaluated 2025-10-28.

Conditions:
Inborn genetic diseases. Identifiers: MedGen C0950123, MeSH D030342.
Renal tubular dysgenesis. Also called: Renotubular dysgenesis. Identifiers: Orphanet 3033, MedGen C0266313, MONDO:0017609, HP:0008660.
Familial juvenile hyperuricemic nephropathy type 2 (ADTKD4). Also called: EARLY-ONSET HYPERURICEMIA, ANEMIA, AND PROGRESSIVE KIDNEY FAILURE; Autosomal Dominant Tubulointerstitial Kidney Disease – REN. Identifiers: Orphanet 217330, MedGen C2751310, MONDO:0013128, OMIM 613092.

Allele frequency attached by ClinVar (database versions not stated): gnomAD 0.00003 and 0.00004; TOPMed 0.00003.
gnomAD v4.1: 22 of 1,614,070 alleles (0.0014%); highest among the groups gnomAD compares: East Asian, 0.045%; no homozygotes.

Submissions (3):

Ambry Genetics
Classification: Uncertain significance for Inborn genetic diseases. Last evaluated: 2025-10-28. Review status: criteria provided, single submitter. Criteria: Ambry Variant Classification Scheme 2023. Collection method: clinical testing. Allele origin: germline.

Illumina Laboratory Services, Illumina
Classification: Uncertain significance for Renal tubular dysgenesis of genetic origin. Last evaluated: 2018-01-13. Review status: criteria provided, single submitter. Criteria: ICSL Variant Classification Criteria 13 December 2019. Collection method: clinical testing. Allele origin: germline.

Illumina Laboratory Services, Illumina
Classification: Likely benign for Familial juvenile hyperuricemic nephropathy type 2. Last evaluated: 2018-01-13. Review status: criteria provided, single submitter. Criteria: ICSL Variant Classification Criteria 13 December 2019. Collection method: clinical testing. Allele origin: germline.
Comment: This variant was observed in the ICSL laboratory as part of a predisposition screen in an ostensibly healthy population. It had not been previously curated by ICSL or reported in the Human Gene Mutation Database (HGMD: prior to June 1st, 2018), and was therefore a candidate for classification through an automated scoring system. Utilizing variant allele frequency, disease prevalence and penetrance estimates, and inheritance mode, an automated score was calculated to assess if this variant is too frequent to cause the disease. Based on the score and internal cut-off values, a variant classified as likely benign is not then subjected to further curation. The score for this variant resulted in a classification of likely benign for this disease.

NM_000537.4(REN):c.1076A>T (p.Lys359Ile)

Gene: REN (renin; minus strand). Cytogenetic location: 1q32.1.
Variant type: single nucleotide variant.
Coding change: c.1076A>T on transcript NM_000537.4 (MANE Select); coding-DNA position 1076, A replaced by T.
Protein change: p.Lys359Ile; replaces lysine 359 with isoleucine.
Molecular consequence: missense variant.
Genome position (GRCh38, 1-based): chr1:204,155,161, T>A on the plus strand (A>T on the coding strand, the complement: REN is on the minus strand). VCF-style: chr1-204155161-T-A. GRCh37 (hg19) VCF-style: chr1-204124289-T-A.
Other names: short protein forms K359I.
Identifiers: ClinVar variation 294950 (VCV000294950.7), dbSNP rs774166976, ClinGen allele CA1344656.
Genomic context (GRCh38, chr1:204,155,161, plus strand): 5'-CAGGTGGGTCCAGTGGGTGGCGGGATATCCATGGCGTGGATGGCCAGTGTGCACAGCTTT[T>A]TACTACTGTAGGATTCCTGGCAGGAAGGGGGAGAGTTTCTCCATACCCAGCACATGAGCA-3'
Protein context (NP_000528.1, residues 349-369): DYVFQESYSS[Lys359Ile]KLCTLAIHAM